The following is an entry in ClinVar:

NM_003906.5(MCM3AP):c.286A>C (p.Thr96Pro)

Gene: MCM3AP (minichromosome maintenance complex component 3 associated protein; minus strand). Cytogenetic location: 21q22.3.
Variant type: single nucleotide variant.
Coding change: c.286A>C on transcript NM_003906.5 (MANE Select); coding-DNA position 286, A replaced by C.
Protein change: p.Thr96Pro; replaces threonine 96 with proline.
Molecular consequence: missense variant.
Genome position (GRCh38, 1-based): chr21:46,285,001, T>G on the plus strand (A>C on the coding strand, the complement: MCM3AP is on the minus strand). VCF-style: chr21-46285001-T-G. GRCh37 (hg19) VCF-style: chr21-47704915-T-G.
Other names: short protein forms T96P.
Identifiers: ClinVar variation 2041525 (VCV002041525.4), dbSNP rs2517441650, ClinGen allele CA410537592.

ClinVar aggregate classification (germline): Uncertain significance (1 of 4 stars; one submission).

gnomAD v4.1: 1 of 1,614,106 alleles (0.000062%); highest among the groups gnomAD compares: Admixed American, 0.0017%; no homozygotes.

Submission:

Labcorp Genetics (formerly Invitae), Labcorp
Classification: Uncertain significance. Last evaluated: 2022-03-22. Review status: criteria provided, single submitter. Criteria: Invitae Variant Classification Sherloc (09022015). Collection method: clinical testing. Allele origin: germline.
Comment: In summary, the available evidence is currently insufficient to determine the role of this variant in disease. Therefore, it has been classified as a Variant of Uncertain Significance. Algorithms developed to predict the effect of missense changes on protein structure and function (SIFT, PolyPhen-2, Align-GVGD) all suggest that this variant is likely to be tolerated. This variant has not been reported in the literature in individuals affected with MCM3AP-related conditions. This variant is not present in population databases (gnomAD no frequency). This sequence change replaces threonine, which is neutral and polar, with proline, which is neutral and non-polar, at codon 96 of the MCM3AP protein (p.Thr96Pro).